The following is an entry in ClinVar:

ClinVar aggregate classification (germline): Uncertain significance. Review status: criteria provided, multiple submitters, no conflicts (2 of 4 stars). 3 submissions from 3 submitters: Uncertain significance (3). Last evaluated 2023-06-06.

Conditions:
Neutropenia, severe congenital, 1, autosomal dominant. Identifiers: MedGen C1859966, MONDO:0042490, OMIM 202700.
Cyclical neutropenia. Also called: Cyclic hematopoiesis; Cyclic Neutropenia. Identifiers: Orphanet 2686, MedGen C0221023, MONDO:0008090, OMIM 162800, HP:0040289. Disease mechanism: loss of function.
Autoinflammatory syndrome. Identifiers: Orphanet 93665, MedGen C3890737, MONDO:0019751.

Allele frequency attached by ClinVar (database versions not stated): gnomAD exomes 0.00001; TOPMed 0.00001; ExAC 0.00003.
gnomAD v4.1: 5 of 1,605,968 alleles (0.00031%); highest among the groups gnomAD compares: African/African-American, 0.0013%; no homozygotes.

Submissions (3):

Labcorp Genetics (formerly Invitae), Labcorp
Classification: Uncertain significance for Neutropenia, severe congenital, 1, autosomal dominant; Cyclical neutropenia. Last evaluated: 2023-06-06. Review status: criteria provided, single submitter. Criteria: Invitae Variant Classification Sherloc (09022015). Collection method: clinical testing. Allele origin: germline.
Comment: In summary, the available evidence is currently insufficient to determine the role of this variant in disease. Therefore, it has been classified as a Variant of Uncertain Significance. Algorithms developed to predict the effect of missense changes on protein structure and function output the following: SIFT: "Not Available"; PolyPhen-2: "Possibly Damaging"; Align-GVGD: "Not Available". The arginine amino acid residue is found in multiple mammalian species, which suggests that this missense change does not adversely affect protein function. ClinVar contains an entry for this variant (Variation ID: 242283). This variant has not been reported in the literature in individuals affected with ELANE-related conditions. The frequency data for this variant in the population databases is considered unreliable, as metrics indicate poor data quality at this position in the gnomAD database. This sequence change replaces glycine, which is neutral and non-polar, with arginine, which is basic and polar, at codon 148 of the ELANE protein (p.Gly148Arg).

Genome Diagnostics Laboratory, The Hospital for Sick Children
Classification: Uncertain significance for Autoinflammatory syndrome. Last evaluated: 2019-12-01. Review status: criteria provided, single submitter. Criteria: ACMG Guidelines, 2015. Collection method: clinical testing. Allele origin: germline. Affected: yes.

GeneDx
Classification: Uncertain significance. Last evaluated: 2012-11-21. Review status: criteria provided, single submitter. Criteria: GeneDx Variant Classification (06012015). Collection method: clinical testing. Allele origin: germline. Affected: yes.
Comment: G148R represents a non-conservative amino acid substitution, as a small, non-polar Glycine residue is replaced with a large, positively-charged Arginine residue. The position in the ELANE protein where this substitution occurs is not highly conserved among species; however, a mutation in a neighboring codon (C151S, reported as C122S) has been observed in association with ELANE-related neutropenia (Ancliff et al., 2001). Therefore, based on the currently available information, it is unclear whether G148R is a disease-causing mutation or a rare benign variant.

NM_001972.4(ELANE):c.442G>A (p.Gly148Arg)

Gene: ELANE (elastase, neutrophil expressed; plus strand). Cytogenetic location: 19p13.3.
Variant type: single nucleotide variant.
Coding change: c.442G>A on transcript NM_001972.4 (MANE Select); coding-DNA position 442, G replaced by A.
Protein change: p.Gly148Arg; replaces glycine 148 with arginine.
Molecular consequence: missense variant.
Genome position (GRCh38, 1-based): chr19:855,639, G>A. VCF-style: chr19-855639-G-A. GRCh37 (hg19) VCF-style: chr19-855639-G-A.
Other names: c.442G>A (LRG_57t1); short protein forms G148R.
Identifiers: ClinVar variation 242283 (VCV000242283.9), dbSNP rs774508567, ClinGen allele CA9026064.